The following is an entry in ClinVar:

ClinVar aggregate classification (germline): Uncertain significance. Review status: criteria provided, multiple submitters, no conflicts (2 of 4 stars). 2 submissions from 2 submitters: Uncertain significance (2). Last evaluated 2026-01-13.

Conditions:
Pancreatic adenocarcinoma. Identifiers: MedGen C0281361, MONDO:0006047, HP:0006725.

Submissions (2):

Ambry Genetics
Classification: Uncertain significance. Last evaluated: 2026-01-13. Review status: criteria provided, single submitter. Criteria: Ambry Variant Classification Scheme 2023. Collection method: clinical testing. Allele origin: germline.
Comment: The c.1632_1633delTCinsCT variant, located in coding exon 9 of the PALLD gene, results from an in-frame deletion of TC and insertion of CT at nucleotide positions 1632 to 1633. This results in the substitution of the arginine residue for a cysteine residue at codon 545, an amino acid with highly dissimilar properties. This amino acid position is highly conserved in available vertebrate species. The evidence for this gene-disease relationship is limited; therefore, the clinical significance of this alteration is unclear.

Labcorp Genetics (formerly Invitae), Labcorp
Classification: Uncertain significance for Pancreatic adenocarcinoma. Last evaluated: 2019-10-15. Review status: criteria provided, single submitter. Criteria: Invitae Variant Classification Sherloc (09022015). Collection method: clinical testing. Allele origin: germline.
Comment: This variant is not present in population databases (ExAC no frequency). In summary, the available evidence is currently insufficient to determine the role of this variant in disease. Therefore, it has been classified as a Variant of Uncertain Significance. Algorithms developed to predict the effect of missense changes on protein structure and function (SIFT, PolyPhen-2, Align-GVGD) all suggest that this variant is likely to be disruptive, but these predictions have not been confirmed by published functional studies and their clinical significance is uncertain. This variant has not been reported in the literature in individuals with PALLD-related conditions. This sequence change replaces arginine with cysteine at codon 545 of the PALLD protein (p.Arg545Cys). The arginine residue is highly conserved and there is a large physicochemical difference between arginine and cysteine.

NM_001166108.2(PALLD):c.3144_3145delinsCT (p.Arg1049Cys)

Genes: CBR4 (carbonyl reductase 4; minus strand), PALLD (palladin, cytoskeletal associated protein; plus strand). Cytogenetic location: 4q32.3.
Variant type: Indel.
Coding change: c.3144_3145delinsCT on transcript NM_001166108.2 (MANE Select); coding-DNA positions 3144 to 3145, TC replaced by CT.
Protein change: p.Arg1049Cys; replaces arginine 1049 with cysteine.
Molecular consequence: missense variant.
Genome position (GRCh38, 1-based): chr4:168,924,340-168,924,341, TC replaced by CT. VCF-style: chr4-168924340-TC-CT. GRCh37 (hg19) VCF-style: chr4-169845491-TC-CT.
Other names: c.1947_1948delinsCT, p.Arg650Cys (NM_001166109.2); c.1632_1633delinsCT, p.Arg545Cys (NM_001166110.2); c.972_973delinsCT, p.Arg325Cys (NM_001367567.1, NM_001367569.1); c.1023_1024delinsCT, p.Arg342Cys (NM_001367568.1, NM_001367570.1); c.3093_3094delinsCT, p.Arg1032Cys (NM_016081.4); c.1632_1633delTCinsCT (NM_001166110.1); short protein forms R545C, R1032C, R325C, R650C, R1049C, R342C.
Identifiers: ClinVar variation 966365 (VCV000966365.9), dbSNP rs1762165732, ClinGen allele CA1139658697.